The following is an entry in ClinVar:

NM_178857.6(RP1L1):c.45G>A (p.Glu15=)

Gene: RP1L1 (RP1 like 1). Cytogenetic location: 8p23.1.
Variant type: single nucleotide variant.
Coding change: c.45G>A on transcript NM_178857.6 (MANE Select); coding-DNA position 45, G replaced by A.
Protein change: p.Glu15=; no amino-acid change (glutamic acid 15 retained).
Molecular consequence: synonymous variant.
Genome position (GRCh38, 1-based): chr8:10,623,157, C>T on the plus strand (G>A on the coding strand, the complement: RP1L1 is on the minus strand). VCF-style: chr8-10623157-C-T. GRCh37 (hg19) VCF-style: chr8-10480667-C-T.
Identifiers: ClinVar variation 909659 (VCV000909659.8), dbSNP rs761396117, ClinGen allele CA4625904.

ClinVar aggregate classification (germline): Benign/Likely benign. Review status: criteria provided, multiple submitters, no conflicts (2 of 4 stars). 2 submissions from 2 submitters: Benign (1); Likely benign (1). Last evaluated 2022-09-25.

Conditions:
Occult macular dystrophy (OCMD). Also called: OCCULT MACULAR DYSTROPHY, SUSCEPTIBILITY TO; OMD. Identifiers: Orphanet 247834, MedGen C3150833, MONDO:0013316, OMIM 613587, HP:0030636.

Allele frequency attached by ClinVar (database versions not stated): ExAC 0.00001; gnomAD 0.00001; gnomAD exomes 0.00001.
gnomAD v4.1: 3 of 1,590,890 alleles (0.00019%); highest among the groups gnomAD compares: Admixed American, 0.0034%; no homozygotes.

Submissions (2):

Labcorp Genetics (formerly Invitae), Labcorp
Classification: Likely benign. Last evaluated: 2022-09-25. Review status: criteria provided, single submitter. Criteria: Invitae Variant Classification Sherloc (09022015). Collection method: clinical testing. Allele origin: germline.

Illumina Laboratory Services, Illumina
Classification: Benign for Occult macular dystrophy. Last evaluated: 2017-04-27. Review status: criteria provided, single submitter. Criteria: ICSL Variant Classification Criteria 13 December 2019. Collection method: clinical testing. Allele origin: germline.
Comment: This variant was observed as part of a predisposition screen in an ostensibly healthy population. A literature search was performed for the gene, cDNA change, and amino acid change (where applicable). No publications were found based on this search. Allele frequency data from public databases was too high to be consistent with this variant causing disease. Therefore, this variant is classified as benign.